The following is an entry in ClinVar:

NM_001080517.3(SETD5):c.2254C>G (p.Pro752Ala)

Gene: SETD5 (SET domain containing 5; plus strand). Cytogenetic location: 3p25.3.
Variant type: single nucleotide variant.
Coding change: c.2254C>G on transcript NM_001080517.3 (MANE Select); coding-DNA position 2254, C replaced by G.
Protein change: p.Pro752Ala; replaces proline 752 with alanine.
Molecular consequence: missense variant.
Genome position (GRCh38, 1-based): chr3:9,448,538, C>G. VCF-style: chr3-9448538-C-G. GRCh37 (hg19) VCF-style: chr3-9490222-C-G.
Other names: c.1960C>G, p.Pro654Ala (NM_001292043.2, NM_001349451.2); c.2350C>G, p.Pro784Ala (NM_001437633.1); c.2311C>G, p.Pro771Ala (NM_001437635.1); c.2254C>G, p.Pro752Ala (NM_001437643.1); c.2293C>G, p.Pro765Ala (NM_001437701.1); short protein forms P654A, P752A, P765A, P771A, P784A.
Identifiers: ClinVar variation 4755710 (VCV004755710.1).

ClinVar aggregate classification (germline): Uncertain significance (1 of 4 stars; one submission).

Submission:

GeneDx
Classification: Uncertain significance. Last evaluated: 2025-08-07. Review status: criteria provided, single submitter. Criteria: GeneDx Variant Classification Process June 2021. Collection method: clinical testing. Allele origin: germline. Affected: yes.
Comment: Not observed at significant frequency in large population cohorts (gnomAD); In silico analysis supports that this missense variant has a deleterious effect on protein structure/function; Has not been previously published as pathogenic or benign to our knowledge